The following is an entry in ClinVar:

ClinVar aggregate classification (germline): Likely pathogenic (1 of 4 stars; one submission).

Conditions:
Fetal akinesia deformation sequence syndrome.

Submission:

New York Genome Center
Classification: Likely pathogenic for Fetal akinesia deformation sequence syndrome. Last evaluated: 2023-08-09. Review status: criteria provided, single submitter. Criteria: NYGC Assertion Criteria 2020. Collection method: clinical testing. Allele origin: inherited. Affected: yes. Observed: 1 variant allele, 1 compound heterozygote.
Comment: The c.38580del variant identified in TTN has not previously been reported in individuals with titinopathies nor has it been deposited in ClinVar. The c.38580del is absent from population databases (gnomAD v2.1.1 and v3.1.2, TOPMed Freeze 8), suggesting it is not a common benign variant in the populations represented in those databases. The c.38580del variant is located in exon 196 of this 363-exon gene, is predicted to result in incorporating premature stop codon upon causing a frameshift p.(Val12861PhefsTer86) and is expected to undergo nonsense mediated decay. While exon 196 is not expressed in cardiac tissue specific transcripts, it is expressed in the meta-transcript, which is thought to be expressed only during fetal development and most likely to have a role in skeletal muscle development, other pathogenic truncating variants in this exon and in the other meta-transcript-only exons have been associated with recessive congenital myopathies and arthrogryposis multiplex congenita (PMID: 35580751, 28040389). Based on available evidence, this heterozygous c.38580del p.(Val12861PhefsTer86) variant identified in TTN is classified here as Likely Pathogenic for musculoskeletal phenotypes.

NM_001267550.2(TTN):c.38580del (p.Val12861fs)

Gene: TTN (titin; minus strand). Cytogenetic location: 2q31.2.
Variant type: Deletion.
Coding change: c.38580del on transcript NM_001267550.2 (MANE Select); coding-DNA position 38580, one base deleted (A; older notation c.38580delA).
Protein change: p.Val12861fs; shifts the reading frame from valine 12861.
Molecular consequence: frameshift variant. On other transcripts: intron variant (5).
Genome position (GRCh38, 1-based): chr2:178,653,667, T deleted on the plus strand (A on the coding strand, the reverse complement: TTN is on the minus strand); the first of 3 consecutive T bases (chr2:178,653,667-178,653,669); deleting any one gives the same sequence. VCF-style (leftmost placement, unchanged base first): chr2-178653666-CT-C. GRCh37 (hg19) VCF-style: chr2-179518393-CT-C.
Other names: c.13283-11350del (NM_003319.4); c.13859-11350del (NM_133437.4); c.13658-11350del (NM_133432.3); c.31742-1126del (NM_133378.4); c.34523-1126del (NM_001256850.1); short protein forms V12861fs.
Identifiers: ClinVar variation 4888351 (VCV004888351.1).